The following is an entry in ClinVar:

ClinVar aggregate classification (germline): Likely benign (1 of 4 stars; one submission).

Allele frequency attached by ClinVar (database versions not stated): gnomAD 0.00003.
gnomAD v4.1: 76 of 1,525,050 alleles (0.005%); highest among the groups gnomAD compares: Non-Finnish European, 0.0065%; no homozygotes.

Submission:

CeGaT Center for Human Genetics Tuebingen
Classification: Likely benign. Last evaluated: 2023-12-01. Review status: criteria provided, single submitter. Criteria: CeGaT Center For Human Genetics Tuebingen Variant Classification Criteria Version 2. Collection method: clinical testing. Allele origin: germline. Affected: yes. Observed: 1 variant allele.
Comment: ATN1: BP4, BP7

NM_001940.4(ATN1):c.1455A>G (p.Gln485=)

Genes: ATN1 (atrophin 1; plus strand), LOC109461484 (atrophin 1 repeat instability region; plus strand). Cytogenetic location: 12p13.31.
Variant type: single nucleotide variant.
Coding change: c.1455A>G on transcript NM_001940.4 (MANE Select); coding-DNA position 1455, A replaced by G.
Protein change: p.Gln485=; no amino-acid change (glutamine 485 retained).
Molecular consequence: synonymous variant.
Genome position (GRCh38, 1-based): chr12:6,936,722, A>G. VCF-style: chr12-6936722-A-G. GRCh37 (hg19) VCF-style: chr12-7045885-A-G.
Other names: c.1455A>G, p.Gln485= (NM_001007026.2, NM_001424176.1, NM_001424177.1 and 2 more transcripts); c.1452A>G, p.Gln484= (NM_001424179.1, NM_001424180.1, NM_001424182.1).
Identifiers: ClinVar variation 3024849 (VCV003024849.22), dbSNP rs879960521, ClinGen allele CA232427879.